The following is an entry in ClinVar:

NM_001164508.2(NEB):c.10261C>T (p.Gln3421Ter)

Gene: NEB (nebulin; minus strand). Cytogenetic location: 2q23.3.
Variant type: single nucleotide variant.
Coding change: c.10261C>T on transcript NM_001164508.2 (MANE Select); coding-DNA position 10261, C replaced by T.
Protein change: p.Gln3421Ter; replaces glutamine 3421 with a stop codon.
Molecular consequence: nonsense.
Genome position (GRCh38, 1-based): chr2:151,627,088, G>A on the plus strand (C>T on the coding strand, the complement: NEB is on the minus strand). VCF-style: chr2-151627088-G-A. GRCh37 (hg19) VCF-style: chr2-152483602-G-A.
Other names: NM_001164508.2:c.10261C>T; c.10261C>T, p.Gln3421Ter (NM_001164507.2, NM_001271208.2); c.9532C>T, p.Gln3178Ter (NM_004543.5); short protein forms Q3178*, Q3421*.
Identifiers: ClinVar variation 3776979 (VCV003776979.1).
Genomic context (GRCh38, chr2:151,627,088, plus strand): 5'-TGGCCAGCACCTGCTCTAGAGAGTCAGTCACACTGGTAAATTTCAGCTTGTCCGGAGGCT[G>A]GCGGTAGATGTTATCACTCAGTATTTCAGCAGCTCTCTTGCACTTGACCACATCCATAGA-3'

ClinVar aggregate classification (germline): Likely pathogenic (1 of 4 stars; one submission).

Conditions:
Nemaline myopathy. Also called: Myopathies, Nemaline. Identifiers: Orphanet 607, MedGen C0206157, MONDO:0018958.

gnomAD v4.1: 1 of 1,613,808 alleles (0.000062%); highest among the groups gnomAD compares: African/African-American, 0.0013%; no homozygotes.

Submission:

Broad Center for Mendelian Genomics, Broad Institute of MIT and Harvard
Classification: Likely pathogenic for Nemaline myopathy. Last evaluated: 2025-03-17. Review status: criteria provided, single submitter. Criteria: ACMG Guidelines, 2015. Collection method: curation. Allele origin: germline. Inheritance: Autosomal recessive inheritance.
Comment: The p.Gln3421Ter variant in NEB has been reported in one individual with nemaline myopathy (PMID: 25205138) and has been identified in 0.002% (1/74908) of African/African American chromosomes by the Genome Aggregation Database (gnomAD; dbSNP ID: rs1471680813). Although this variant has been seen in the general population in a heterozygous state, its frequency is low enough to be consistent with a recessive carrier frequency. This nonsense variant leads to a premature termination codon at position 3421, which is predicted to lead to a truncated or absent protein. This alteration is then predicted to lead to a truncated or absent protein. Loss of function of the NEB gene is an established disease mechanism in autosomal recessive nemaline myopathy. In summary, although additional studies are required to fully establish its clinical significance, this variant is likely pathogenic for autosomal recessive nemaline myopathy. ACMG/AMP Criteria applied: PVS1, PM2_supporting (Richards 2015).